The following is an entry in ClinVar:

ClinVar aggregate classification (germline): Uncertain significance (1 of 4 stars; one submission).

Conditions:
EPILEPSY, CHILDHOOD ABSENCE, SUSCEPTIBILITY TO, 2 (ECA2). Identifiers: Orphanet 64280, MedGen C1843244, OMIM 607681.
Febrile seizures, familial, 8 (FEB8). Also called: CONVULSIONS, FAMILIAL FEBRILE, 8. Identifiers: Orphanet 36387, MedGen C1969810, MONDO:0011891, OMIM 607681.

Submission:

Labcorp Genetics (formerly Invitae), Labcorp
Classification: Uncertain significance for Febrile seizures, familial, 8; EPILEPSY, CHILDHOOD ABSENCE, SUSCEPTIBILITY TO, 2. Last evaluated: 2021-08-05. Review status: criteria provided, single submitter. Criteria: Invitae Variant Classification Sherloc (09022015). Collection method: clinical testing. Allele origin: germline.
Comment: In summary, the available evidence is currently insufficient to determine the role of this variant in disease. Therefore, it has been classified as a Variant of Uncertain Significance. Experimental studies and prediction algorithms are not available or were not evaluated, and the functional significance of this variant is currently unknown. This variant has not been reported in the literature in individuals affected with GABRG2-related conditions. This variant results in a copy number gain of the genomic region encompassing exon(s) 5-9 of the GABRG2 gene. This region includes the termination codon of the gene. This copy number gain extends beyond the assayed region for this gene and therefore may encompass additional genes. As the precise location of this event is unknown, it may be in tandem or it may be located elsewhere in the genome.

NC_000005.9:g.(?_161528235)_(161580379_?)dup

Gene: GABRG2 (gamma-aminobutyric acid type A receptor subunit gamma2; plus strand). Cytogenetic location: 5q34.
Variant type: Duplication.
Identifiers: ClinVar variation 1062436 (VCV001062436.6).